The following is an entry in ClinVar:

NM_001167.4(XIAP):c.260C>T (p.Ser87Phe)

Gene: XIAP (X-linked inhibitor of apoptosis; plus strand). Cytogenetic location: Xq25.
Variant type: single nucleotide variant.
Coding change: c.260C>T on transcript NM_001167.4 (MANE Select); coding-DNA position 260, C replaced by T.
Protein change: p.Ser87Phe; replaces serine 87 with phenylalanine.
Molecular consequence: missense variant.
Genome position (GRCh38, 1-based): chrX:123,885,922, C>T. VCF-style: chrX-123885922-C-T. GRCh37 (hg19) VCF-style: chrX-123019772-C-T.
Other names: c.260C>T, p.Ser87Phe (NM_001378592.1, NM_001204401.2, NM_001378590.1 and 1 more transcripts); short protein forms S87F.
Identifiers: ClinVar variation 3654278 (VCV003654278.2).

ClinVar aggregate classification (germline): Uncertain significance (1 of 4 stars; one submission).

Conditions:
X-linked lymphoproliferative disease due to XIAP deficiency. Also called: XIAP-Related Lymphoproliferative Disease, X-Linked; XIAP DEFICIENCY. Identifiers: Orphanet 2442, Orphanet 538934, MedGen C1845076, MONDO:0010385, OMIM 300635.

Submission:

Labcorp Genetics (formerly Invitae), Labcorp
Classification: Uncertain significance for X-linked lymphoproliferative disease due to XIAP deficiency. Last evaluated: 2024-05-22. Review status: criteria provided, single submitter. Criteria: Invitae Variant Classification Sherloc (09022015). Collection method: clinical testing. Allele origin: germline.
Comment: This sequence change replaces serine, which is neutral and polar, with phenylalanine, which is neutral and non-polar, at codon 87 of the XIAP protein (p.Ser87Phe). This variant is not present in population databases (gnomAD no frequency). This variant has not been reported in the literature in individuals affected with XIAP-related conditions. Advanced modeling of protein sequence and biophysical properties (such as structural, functional, and spatial information, amino acid conservation, physicochemical variation, residue mobility, and thermodynamic stability) performed at Invitae indicates that this missense variant is not expected to disrupt XIAP protein function with a negative predictive value of 80%. In summary, the available evidence is currently insufficient to determine the role of this variant in disease. Therefore, it has been classified as a Variant of Uncertain Significance.